The following is an entry in ClinVar:

NM_001267550.2(TTN):c.56834del (p.Gly18945fs)

Genes: TTN-AS1 (TTN antisense RNA 1; plus strand), TTN (titin; minus strand). Cytogenetic location: 2q31.2.
Variant type: Deletion.
Coding change: c.56834del on transcript NM_001267550.2 (MANE Select); coding-DNA position 56834, one base deleted (G; older notation c.56834delG).
Protein change: p.Gly18945fs; shifts the reading frame from glycine 18945.
Molecular consequence: frameshift variant.
Genome position (GRCh38, 1-based): chr2:178,598,876, C deleted on the plus strand (G on the coding strand, the reverse complement: TTN is on the minus strand); the first of 3 consecutive C bases (chr2:178,598,876-178,598,878); deleting any one gives the same sequence. VCF-style (leftmost placement, unchanged base first): chr2-178598875-AC-A. GRCh37 (hg19) VCF-style: chr2-179463602-AC-A.
Other names: c.51911del, p.Gly17304fs (NM_001256850.1); c.29639del, p.Gly9880fs (NM_003319.4); c.49130del, p.Gly16377fs (NM_133378.4); c.30014del, p.Gly10005fs (NM_133432.3); c.30215del, p.Gly10072fs (NM_133437.4); c.56834delG (LRG_391t1); short protein forms G16377fs, G9880fs, G17304fs, G18945fs, G10072fs, G10005fs.
Identifiers: ClinVar variation 223374 (VCV000223374.2), dbSNP rs869312110, ClinGen allele CA353219.

ClinVar aggregate classification (germline): Likely pathogenic. Review status: criteria provided, multiple submitters, no conflicts (2 of 4 stars). 2 submissions from 2 submitters: Likely pathogenic (2). Last evaluated 2025-10-07.

Conditions:
Dilated cardiomyopathy 1G (CMD1G). Identifiers: Orphanet 154, MedGen C1858763, MONDO:0011400, OMIM 604145.
Autosomal recessive limb-girdle muscular dystrophy type 2J (LGMDR10). Also called: Limb-girdle muscular dystrophy, type 2J; MUSCULAR DYSTROPHY, LIMB-GIRDLE, AUTOSOMAL RECESSIVE 10. Identifiers: Orphanet 140922, MedGen C1837342, MONDO:0012127, OMIM 608807.
Primary dilated cardiomyopathy (DCM). Also called: Dilated Cardiomyopathy. Identifiers: Orphanet 217604, MedGen C0007193, MeSH D002311, MONDO:0005021, HP:0001644. Inheritance: Various modes of inheritance.

Submissions (2):

Labcorp Genetics (formerly Invitae), Labcorp
Classification: Likely pathogenic for Dilated cardiomyopathy 1G; Autosomal recessive limb-girdle muscular dystrophy type 2J. Last evaluated: 2025-10-07. Review status: criteria provided, single submitter. Criteria: Invitae Variant Classification Sherloc (09022015). Collection method: clinical testing. Allele origin: germline.
Comment: This sequence change creates a premature translational stop signal (p.Gly18945Valfs*6) in the TTN gene. While this is not anticipated to result in nonsense mediated decay, it is expected to create a truncated TTN protein. This variant is not present in population databases (gnomAD no frequency). This premature translational stop signal has been observed in individual(s) with dilated cardiomyopathy (PMID: 25589632, 34461741). ClinVar contains an entry for this variant (Variation ID: 223374). This variant is located in the A band of TTN (PMID: 25589632). Truncating variants in this region are significantly overrepresented in patients affected with dilated cardiomyopathy (PMID: 25589632). Truncating variants in this region have also been reported in individuals affected with autosomal recessive centronuclear myopathy (PMID: 23975875). In summary, the currently available evidence indicates that the variant is pathogenic, but additional data are needed to prove that conclusively. Therefore, this variant has been classified as Likely Pathogenic.

Cardiovascular Biomedical Research Unit, Royal Brompton & Harefield NHS Foundation Trust
Classification: Likely pathogenic for Primary dilated cardiomyopathy. Last evaluated: 2014-10-08. Review status: criteria provided, single submitter. Criteria: Roberts et al. 2015. Collection method: research. Allele origin: germline. Inheritance: Autosomal dominant inheritance. Affected: yes. Observed: 1 variant allele. Study: Familial DCM.
Comment: In the seven cohorts assessed, TTNtv were found in 14% of ambulant DCM, 22% end-stage or familial DCM, and 2% controls. Heterozygous nonsense, frameshift and canonical splice-disrupting variants found in constitutive and other highly utilised exons are highly likely to be pathogenic when identified in individuals with phenotypically confirmed DCM. TTNtv found incidentally in healthy individuals (excluding familial assessment of DCM relatives) are thought to have low penetrance, particularly when identified in exons that are not constitutively expressed in the heart.

Literature cited by the submitters: PubMed 25589632 (cited by Labcorp Genetics (formerly Invitae), Labcorp); PubMed 34461741 (cited by Labcorp Genetics (formerly Invitae), Labcorp); PubMed 23975875 (cited by Labcorp Genetics (formerly Invitae), Labcorp).